The following is an entry in ClinVar:

NM_000038.6(APC):c.2401T>G (p.Phe801Val)

Gene: APC (APC regulator of Wnt signaling pathway; plus strand). Cytogenetic location: 5q22.2.
Variant type: single nucleotide variant.
Coding change: c.2401T>G on transcript NM_000038.6 (MANE Select); coding-DNA position 2401, T replaced by G.
Protein change: p.Phe801Val; replaces phenylalanine 801 with valine.
Molecular consequence: missense variant.
Genome position (GRCh38, 1-based): chr5:112,837,995, T>G. VCF-style: chr5-112837995-T-G. GRCh37 (hg19) VCF-style: chr5-112173692-T-G.
Other names: c.2401T>G, p.Phe801Val (NM_001127510.3, NM_001354895.2, NM_001407450.1); c.2347T>G, p.Phe783Val (NM_001127511.3); c.2455T>G, p.Phe819Val (NM_001354896.2, NM_001407447.1, NM_001407448.1 and 1 more transcripts); c.2431T>G, p.Phe811Val (NM_001354897.2); c.2326T>G, p.Phe776Val (NM_001354898.2); c.2317T>G, p.Phe773Val (NM_001354899.2); c.2278T>G, p.Phe760Val (NM_001354900.2); c.2224T>G, p.Phe742Val (NM_001354901.2, NM_001407453.1); and 11 more; short protein forms F417V, F675V, F718V, F760V, F776V, F819V, F710V, F742V.
Identifiers: ClinVar variation 2174970 (VCV002174970.4), dbSNP rs1765171687, ClinGen allele CA16026609.

ClinVar aggregate classification (germline): Uncertain significance (1 of 4 stars; one submission).

Conditions:
Familial adenomatous polyposis 1 (FAP1). Also called: FAMILIAL ADENOMATOUS POLYPOSIS 1, ATTENUATED; POLYPOSIS, ADENOMATOUS INTESTINAL. Identifiers: MedGen C2713442, MONDO:0021056, OMIM 175100. Disease mechanism: loss of function.

Allele frequency attached by ClinVar (database versions not stated): TOPMed below 0.00001.

Submission:

Labcorp Genetics (formerly Invitae), Labcorp
Classification: Uncertain significance for Familial adenomatous polyposis 1. Last evaluated: 2024-07-24. Review status: criteria provided, single submitter. Criteria: Invitae Variant Classification Sherloc (09022015). Collection method: clinical testing. Allele origin: germline.
Comment: This sequence change replaces phenylalanine, which is neutral and non-polar, with valine, which is neutral and non-polar, at codon 801 of the APC protein (p.Phe801Val). This variant is not present in population databases (gnomAD no frequency). This variant has not been reported in the literature in individuals affected with APC-related conditions. ClinVar contains an entry for this variant (Variation ID: 2174970). Advanced modeling of protein sequence and biophysical properties (such as structural, functional, and spatial information, amino acid conservation, physicochemical variation, residue mobility, and thermodynamic stability) performed at Invitae indicates that this missense variant is not expected to disrupt APC protein function with a negative predictive value of 95%. In summary, the available evidence is currently insufficient to determine the role of this variant in disease. Therefore, it has been classified as a Variant of Uncertain Significance.